The following is an entry in ClinVar:

NM_000214.3(JAG1):c.406G>T (p.Val136Leu)

Gene: JAG1 (jagged canonical Notch ligand 1; minus strand). Cytogenetic location: 20p12.2.
Variant type: single nucleotide variant.
Coding change: c.406G>T on transcript NM_000214.3 (MANE Select); coding-DNA position 406, G replaced by T.
Protein change: p.Val136Leu; replaces valine 136 with leucine.
Molecular consequence: missense variant.
Genome position (GRCh38, 1-based): chr20:10,663,996, C>A on the plus strand (G>T on the coding strand, the complement: JAG1 is on the minus strand). VCF-style: chr20-10663996-C-A. GRCh37 (hg19) VCF-style: chr20-10644644-C-A.
Other names: short protein forms V136L.
Identifiers: ClinVar variation 1737541 (VCV001737541.3), dbSNP rs746158749, ClinGen allele CA408242148.

ClinVar aggregate classification (germline): Uncertain significance. Review status: criteria provided, multiple submitters, no conflicts (2 of 4 stars). 2 submissions from 2 submitters: Uncertain significance (2). Last evaluated 2022-03-01.

Conditions:
Cardiovascular phenotype. Identifiers: MedGen CN230736.

gnomAD v4.1: 5 of 1,613,980 alleles (0.00031%); highest among the groups gnomAD compares: Non-Finnish European, 0.00042%; no homozygotes.

Submissions (2):

Blueprint Genetics
Classification: Uncertain significance. Last evaluated: 2022-03-01. Review status: criteria provided, single submitter. Criteria: ACMG Guidelines, 2015. Collection method: clinical testing. Allele origin: germline.

Ambry Genetics
Classification: Uncertain significance for Cardiovascular phenotype. Last evaluated: 2021-07-27. Review status: criteria provided, single submitter. Criteria: Ambry Variant Classification Scheme 2023. Collection method: clinical testing. Allele origin: germline.
Comment: The p.V136L variant (also known as c.406G>T), located in coding exon 3 of the JAG1 gene, results from a G to T substitution at nucleotide position 406. The valine at codon 136 is replaced by leucine, an amino acid with highly similar properties. This amino acid position is conserved. In addition, the in silico prediction for this alteration is inconclusive. Since supporting evidence is limited at this time, the clinical significance of this alteration remains unclear.